The following is an entry in ClinVar:

ClinVar aggregate classification (germline): Uncertain significance (1 of 4 stars; one submission).

Allele frequency attached by ClinVar (database versions not stated): gnomAD exomes below 0.00001.
gnomAD v4.1: 5 of 1,613,090 alleles (0.00031%); highest among the groups gnomAD compares: Middle Eastern, 0.033%; no homozygotes.

Submission:

Ambry Genetics
Classification: Uncertain significance. Last evaluated: 2022-09-28. Review status: criteria provided, single submitter. Criteria: Ambry Variant Classification Scheme 2023. Collection method: clinical testing. Allele origin: germline.
Comment: The p.E691D variant (also known as c.2073A>T), located in coding exon 21 of the NEBL gene, results from an A to T substitution at nucleotide position 2073. The glutamic acid at codon 691 is replaced by aspartic acid, an amino acid with highly similar properties. This amino acid position is conserved. In addition, this alteration is predicted to be tolerated by in silico analysis. Since supporting evidence is limited at this time, the clinical significance of this alteration remains unclear.

NM_006393.3(NEBL):c.2073A>T (p.Glu691Asp)

Genes: NEBL (nebulette; minus strand), LOC126860875 (MED14-independent group 3 enhancer GRCh37_chr10:21105746-21106945; plus strand). Cytogenetic location: 10p12.31.
Variant type: single nucleotide variant.
Coding change: c.2073A>T on transcript NM_006393.3 (MANE Select); coding-DNA position 2073, A replaced by T.
Protein change: p.Glu691Asp; replaces glutamic acid 691 with aspartic acid.
Molecular consequence: missense variant. On other transcripts: intron variant (9).
Genome position (GRCh38, 1-based): chr10:20,817,675, T>A on the plus strand (A>T on the coding strand, the complement: NEBL is on the minus strand). VCF-style: chr10-20817675-T-A. GRCh37 (hg19) VCF-style: chr10-21106604-T-A.
Other names: c.250-4735A>T (NM_001377326.1, NM_001377327.1, NM_001377328.1); c.358-4735A>T (NM_213569.2, NM_001173484.2, NM_001377322.1); c.301-4735A>T (NM_001377324.1); c.292-4735A>T (NM_001377325.1); c.310-4735A>T (NM_001377323.1); short protein forms E691D.
Identifiers: ClinVar variation 1785424 (VCV001785424.2), dbSNP rs2491646716, ClinGen allele CA376094178.